The following is an entry in ClinVar:

ClinVar aggregate classification (germline): Conflicting classifications of pathogenicity. Review status: criteria provided, conflicting classifications (1 of 4 stars). 6 submissions from 6 submitters: Uncertain significance (1); Benign (1); Likely benign (3). 1 of the submissions does not count toward it. Last evaluated 2025-12-14.

Conditions:
Corneal dystrophy. Identifiers: Orphanet 34533, MedGen C0010036, MONDO:0018102, HP:0001131.
Inborn genetic diseases. Identifiers: MedGen C0950123, MeSH D030342.
Corneal dystrophy-perceptive deafness syndrome (CDPD). Also called: CORNEAL DYSTROPHY AND SENSORINEURAL DEAFNESS; HARBOYAN SYNDROME. Identifiers: Orphanet 1490, MedGen C1857572, MONDO:0009015, OMIM 217400.

Allele frequency attached by ClinVar (database versions not stated): TOPMed 0.00013; ESP Exome Variant Server 0.00023; 1000 Genomes Project 30x 0.00031; 1000 Genomes Project 0.00040; gnomAD exomes 0.00041 and 0.00075; ExAC 0.00069; gnomAD 0.00070 and 0.00073.
gnomAD v4.1: 701 of 1,612,884 alleles (0.043%); highest among the groups gnomAD compares: Non-Finnish European, 0.016%; 7 homozygotes.

Submissions (6):

Labcorp Genetics (formerly Invitae), Labcorp
Classification: Benign. Last evaluated: 2025-12-14. Review status: criteria provided, single submitter. Criteria: Invitae Variant Classification Sherloc (09022015). Collection method: clinical testing. Allele origin: germline.

Laboratory of Genetics, Children's Clinical University Hospital Latvia
Classification: Likely benign. Last evaluated: 2025-02-16. Review status: criteria provided, single submitter. Criteria: ACMG Guidelines, 2015. Collection method: clinical testing. Allele origin: germline. Affected: yes.

Ambry Genetics
Classification: Likely benign for Inborn genetic diseases. Last evaluated: 2024-03-31. Review status: criteria provided, single submitter. Criteria: Ambry Variant Classification Scheme 2023. Collection method: clinical testing. Allele origin: germline.

CeGaT Center for Human Genetics Tuebingen
Classification: Likely benign. Last evaluated: 2023-10-01. Review status: criteria provided, single submitter. Criteria: CeGaT Center For Human Genetics Tuebingen Variant Classification Criteria Version 2. Collection method: clinical testing. Allele origin: germline. Affected: yes. Observed: 1 variant allele.
Comment: SLC4A11: BP4, BP7

Illumina Laboratory Services, Illumina
Classification: Uncertain significance for Corneal dystrophy. Last evaluated: 2018-01-13. Review status: criteria provided, single submitter. Criteria: ICSL Variant Classification Criteria 13 December 2019. Collection method: clinical testing. Allele origin: germline.

Natera, Inc.
Classification: Benign for Harboyan syndrome. Last evaluated: 2020-09-16. Review status: no assertion criteria provided. Collection method: clinical testing. Allele origin: germline. Not counted in ClinVar's aggregate classification.

NM_001174089.2(SLC4A11):c.1704G>A (p.Thr568=)

Gene: SLC4A11 (solute carrier family 4 member 11; minus strand). Cytogenetic location: 20p13.
Variant type: single nucleotide variant.
Coding change: c.1704G>A on transcript NM_001174089.2 (MANE Select); coding-DNA position 1704, G replaced by A.
Protein change: p.Thr568=; no amino-acid change (threonine 568 retained).
Molecular consequence: synonymous variant. On other transcripts: non-coding transcript variant (1).
Genome position (GRCh38, 1-based): chr20:3,229,562, C>T on the plus strand (G>A on the coding strand, the complement: SLC4A11 is on the minus strand). VCF-style: chr20-3229562-C-T. GRCh37 (hg19) VCF-style: chr20-3210208-C-T.
Other names: c.1833G>A, p.Thr611= (NM_001174090.2); c.1590G>A, p.Thr530= (NM_001363745.2); c.1752G>A, p.Thr584= (NM_032034.4).
Identifiers: ClinVar variation 763833 (VCV000763833.41), dbSNP rs147324566, ClinGen allele CA9741752.